The following is an entry in ClinVar:

ClinVar aggregate classification (germline): Likely benign (1 of 4 stars; one submission).

Conditions:
Leigh syndrome (NULS). Also called: Leigh's necrotizing encephalopathy; Leigh's disease; Leigh Syndrome (mtDNA deletion); Leigh Disease; Subacute necrotizing encephalopathy; Necrotizing encephalopathy infantile subacute of Leigh. Identifiers: Orphanet 506, MedGen C2931891, MONDO:0009723, OMIM 256000.

Submission:

Wong Mito Lab, Molecular and Human Genetics, Baylor College of Medicine
Classification: Likely benign for Leigh syndrome. Last evaluated: 2019-10-17. Review status: criteria provided, single submitter. Criteria: Modified ACMG Guidelines (Unpublished). Collection method: clinical testing. Allele origin: germline.
Comment: The NC_012920.1:m.8711A>G (YP_003024031.1:p.Asn62Ser) variant in MTATP6 gene is interpretated to be a Likely Benign variant based on the modified ACMG guidelines (unpublished). This variant meets the following evidence codes: BS1, BP4

NC_012920.1(MT-ATP6):m.8711A>G

Gene: MT-ATP6 (mitochondrially encoded ATP synthase 6; plus strand).
Variant type: single nucleotide variant.
Genome position: chrM-8711-A-G.
Identifiers: ClinVar variation 692958 (VCV000692958.1), dbSNP rs1556423524, ClinGen allele CA414797591.